The following is an entry in ClinVar:

ClinVar aggregate classification (germline): Uncertain significance. Review status: criteria provided, multiple submitters, no conflicts (2 of 4 stars). 2 submissions from 2 submitters: Uncertain significance (2). Last evaluated 2025-08-05.

Conditions:
Congenital factor V deficiency. Also called: Hereditary factor V deficiency disease; LABILE FACTOR DEFICIENCY; OWREN PARAHEMOPHILIA; PARAHEMOPHILIA. Identifiers: Orphanet 326, MedGen C0015499, MONDO:0009210, OMIM 227400.
Inborn genetic diseases. Identifiers: MedGen C0950123, MeSH D030342.

gnomAD v4.1: 5 of 1,614,106 alleles (0.00031%); highest among the groups gnomAD compares: Non-Finnish European, 0.00042%; no homozygotes.

Submissions (2):

Labcorp Genetics (formerly Invitae), Labcorp
Classification: Uncertain significance for Congenital factor V deficiency. Last evaluated: 2025-08-05. Review status: criteria provided, single submitter. Criteria: Invitae Variant Classification Sherloc (09022015). Collection method: clinical testing. Allele origin: germline.
Comment: This sequence change replaces leucine, which is neutral and non-polar, with phenylalanine, which is neutral and non-polar, at codon 1195 of the F5 protein (p.Leu1195Phe). This variant is not present in population databases (gnomAD no frequency). This variant has not been reported in the literature in individuals affected with F5-related conditions. ClinVar contains an entry for this variant (Variation ID: 3276980). Invitae Evidence Modeling of protein sequence and biophysical properties (such as structural, functional, and spatial information, amino acid conservation, physicochemical variation, residue mobility, and thermodynamic stability) indicates that this missense variant is not expected to disrupt F5 protein function with a negative predictive value of 80%. In summary, the available evidence is currently insufficient to determine the role of this variant in disease. Therefore, it has been classified as a Variant of Uncertain Significance.

Ambry Genetics
Classification: Uncertain significance for Inborn genetic diseases. Last evaluated: 2024-03-28. Review status: criteria provided, single submitter. Criteria: Ambry Variant Classification Scheme 2023. Collection method: clinical testing. Allele origin: germline.

NM_000130.5(F5):c.3583C>T (p.Leu1195Phe)

Gene: F5 (coagulation factor V; minus strand). Cytogenetic location: 1q24.2.
Variant type: single nucleotide variant.
Coding change: c.3583C>T on transcript NM_000130.5 (MANE Select); coding-DNA position 3583, C replaced by T.
Protein change: p.Leu1195Phe; replaces leucine 1195 with phenylalanine.
Molecular consequence: missense variant.
Genome position (GRCh38, 1-based): chr1:169,541,507, G>A on the plus strand (C>T on the coding strand, the complement: F5 is on the minus strand). VCF-style: chr1-169541507-G-A. GRCh37 (hg19) VCF-style: chr1-169510745-G-A.
Other names: short protein forms L1195F.
Identifiers: ClinVar variation 3276980 (VCV003276980.2).